The following is an entry in ClinVar:

NM_014727.3(KMT2B):c.6496C>T (p.Leu2166Phe)

Gene: KMT2B (lysine methyltransferase 2B; plus strand). Cytogenetic location: 19q13.12.
Variant type: single nucleotide variant.
Coding change: c.6496C>T on transcript NM_014727.3 (MANE Select); coding-DNA position 6496, C replaced by T.
Protein change: p.Leu2166Phe; replaces leucine 2166 with phenylalanine.
Molecular consequence: missense variant.
Genome position (GRCh38, 1-based): chr19:35,733,045, C>T. VCF-style: chr19-35733045-C-T. GRCh37 (hg19) VCF-style: chr19-36223946-C-T.
Other names: short protein forms L2166F.
Identifiers: ClinVar variation 2575610 (VCV002575610.1), dbSNP rs2513353828, ClinGen allele CA405428884.

ClinVar aggregate classification (germline): Uncertain significance (1 of 4 stars; one submission).

Submission:

GeneDx
Classification: Uncertain significance. Last evaluated: 2023-02-14. Review status: criteria provided, single submitter. Criteria: GeneDx Variant Classification Process June 2021. Collection method: clinical testing. Allele origin: germline. Affected: yes.
Comment: Not observed at significant frequency in large population cohorts (gnomAD); In silico analysis supports that this missense variant does not alter protein structure/function; Has not been previously published as pathogenic or benign to our knowledge